The following is an entry in ClinVar:

NM_006218.4(PIK3CA):c.1600A>C (p.Ile534Leu)

Gene: PIK3CA (phosphatidylinositol-4,5-bisphosphate 3-kinase catalytic subunit alpha; plus strand). Cytogenetic location: 3q26.32.
Variant type: single nucleotide variant.
Coding change: c.1600A>C on transcript NM_006218.4 (MANE Select); coding-DNA position 1600, A replaced by C.
Protein change: p.Ile534Leu; replaces isoleucine 534 with leucine.
Molecular consequence: missense variant.
Genome position (GRCh38, 1-based): chr3:179,218,270, A>C. VCF-style: chr3-179218270-A-C. GRCh37 (hg19) VCF-style: chr3-178936058-A-C.
Other names: short protein forms I534L.
Identifiers: ClinVar variation 2078400 (VCV002078400.4), dbSNP rs1466575763, ClinGen allele CA355264899.

ClinVar aggregate classification (germline): Uncertain significance (1 of 4 stars; one submission).

Conditions:
Cowden syndrome (CS). Also called: Cowden's disease; Cowden's syndrome; Cowden disease. Identifiers: Orphanet 201, MedGen C0018553, MONDO:0016063. Disease mechanism: gain of function.

Submission:

Labcorp Genetics (formerly Invitae), Labcorp
Classification: Uncertain significance for Cowden syndrome. Last evaluated: 2022-10-23. Review status: criteria provided, single submitter. Criteria: Invitae Variant Classification Sherloc (09022015). Collection method: clinical testing. Allele origin: germline.
Comment: In summary, the available evidence is currently insufficient to determine the role of this variant in disease. Therefore, it has been classified as a Variant of Uncertain Significance. Algorithms developed to predict the effect of missense changes on protein structure and function output the following: SIFT: "Tolerated"; PolyPhen-2: "Benign"; Align-GVGD: "Class C0". The leucine amino acid residue is found in multiple mammalian species, which suggests that this missense change does not adversely affect protein function. This variant has not been reported in the literature in individuals affected with PIK3CA-related conditions. This variant is not present in population databases (gnomAD no frequency). This sequence change replaces isoleucine, which is neutral and non-polar, with leucine, which is neutral and non-polar, at codon 534 of the PIK3CA protein (p.Ile534Leu).